The following is an entry in ClinVar:

NM_000057.4(BLM):c.1970A>T (p.Lys657Met)

Gene: BLM (BLM RecQ like helicase; plus strand). Cytogenetic location: 15q26.1.
Variant type: single nucleotide variant.
Coding change: c.1970A>T on transcript NM_000057.4 (MANE Select); coding-DNA position 1970, A replaced by T.
Protein change: p.Lys657Met; replaces lysine 657 with methionine.
Molecular consequence: missense variant.
Genome position (GRCh38, 1-based): chr15:90,763,053, A>T. VCF-style: chr15-90763053-A-T. GRCh37 (hg19) VCF-style: chr15-91306283-A-T.
Other names: c.1970A>T, p.Lys657Met (NM_001287246.2, NM_001287247.2); c.845A>T, p.Lys282Met (NM_001287248.2); short protein forms K657M, K282M.
Identifiers: ClinVar variation 934242 (VCV000934242.10), dbSNP rs1896029053, ClinGen allele CA393844258.

ClinVar aggregate classification (germline): Uncertain significance (1 of 4 stars; one submission).

Conditions:
Bloom syndrome (BLM). Also called: Bloom-Torre-Machacek syndrome. Identifiers: Orphanet 125, MedGen C0005859, MONDO:0008876, OMIM 210900.

Submission:

Labcorp Genetics (formerly Invitae), Labcorp
Classification: Uncertain significance for Bloom syndrome. Last evaluated: 2019-06-04. Review status: criteria provided, single submitter. Criteria: Invitae Variant Classification Sherloc (09022015). Collection method: clinical testing. Allele origin: germline.
Comment: In summary, the available evidence is currently insufficient to determine the role of this variant in disease. Therefore, it has been classified as a Variant of Uncertain Significance. Algorithms developed to predict the effect of missense changes on protein structure and function are either unavailable or do not agree on the potential impact of this missense change (SIFT: "Tolerated"; PolyPhen-2: "Possibly Damaging"; Align-GVGD: "Class C0"). This variant has not been reported in the literature in individuals with BLM-related conditions. This variant is not present in population databases (ExAC no frequency). This sequence change replaces lysine with methionine at codon 657 of the BLM protein (p.Lys657Met). The lysine residue is moderately conserved and there is a moderate physicochemical difference between lysine and methionine.